The following is an entry in ClinVar:

NM_017802.4(DNAAF5):c.2006C>T (p.Thr669Ile)

Gene: DNAAF5 (dynein axonemal assembly factor 5; plus strand). Cytogenetic location: 7p22.3.
Variant type: single nucleotide variant.
Coding change: c.2006C>T on transcript NM_017802.4 (MANE Select); coding-DNA position 2006, C replaced by T.
Protein change: p.Thr669Ile; replaces threonine 669 with isoleucine.
Molecular consequence: missense variant. On other transcripts: non-coding transcript variant (1).
Genome position (GRCh38, 1-based): chr7:774,122, C>T. VCF-style: chr7-774122-C-T. GRCh37 (hg19) VCF-style: chr7-813759-C-T.
Other names: p.Thr669Ile; short protein forms T669I.
Identifiers: ClinVar variation 656873 (VCV000656873.12), dbSNP rs141955563, ClinGen allele CA4111039.

ClinVar aggregate classification (germline): Conflicting classifications of pathogenicity. Review status: criteria provided, conflicting classifications (1 of 4 stars). 4 submissions from 4 submitters: Uncertain significance (3); Likely benign (1). Last evaluated 2025-10-21.

Conditions:
Primary ciliary dyskinesia. Also called: Ciliary dyskinesia. Identifiers: Orphanet 244, MedGen C0008780, MONDO:0016575, HP:0012265.

Allele frequency attached by ClinVar (database versions not stated): ExAC 0.00007; 1000 Genomes Project 30x 0.00016; 1000 Genomes Project 0.00020; gnomAD 0.00021 and 0.00022; TOPMed 0.00026; ESP Exome Variant Server 0.00031.
gnomAD v4.1: 96 of 1,613,194 alleles (0.006%); highest among the groups gnomAD compares: African/African-American, 0.099%; no homozygotes.

Submissions (4):

Labcorp Genetics (formerly Invitae), Labcorp
Classification: Uncertain significance for Primary ciliary dyskinesia. Last evaluated: 2025-10-21. Review status: criteria provided, single submitter. Criteria: Invitae Variant Classification Sherloc (09022015). Collection method: clinical testing. Allele origin: germline.
Comment: This sequence change replaces threonine, which is neutral and polar, with isoleucine, which is neutral and non-polar, at codon 669 of the DNAAF5 protein (p.Thr669Ile). This variant is present in population databases (rs141955563, gnomAD 0.1%). This variant has not been reported in the literature in individuals affected with DNAAF5-related conditions. ClinVar contains an entry for this variant (Variation ID: 656873). Invitae Evidence Modeling of protein sequence and biophysical properties (such as structural, functional, and spatial information, amino acid conservation, physicochemical variation, residue mobility, and thermodynamic stability) has been performed for this missense variant. However, the output from this modeling did not meet the statistical confidence thresholds required to predict the impact of this variant on DNAAF5 protein function. In summary, the available evidence is currently insufficient to determine the role of this variant in disease. Therefore, it has been classified as a Variant of Uncertain Significance.

Blueprint Genetics
Classification: Uncertain significance. Last evaluated: 2024-08-06. Review status: criteria provided, single submitter. Criteria: ACMG Guidelines, 2015. Collection method: clinical testing. Allele origin: germline.

Mayo Clinic Laboratories, Mayo Clinic
Classification: Uncertain significance. Last evaluated: 2023-11-09. Review status: criteria provided, single submitter. Criteria: ACMG Guidelines, 2015. Collection method: clinical testing. Allele origin: germline. Observed: 1 variant allele.

Ambry Genetics
Classification: Likely benign for Primary ciliary dyskinesia. Last evaluated: 2022-03-23. Review status: criteria provided, single submitter. Criteria: Ambry Variant Classification Scheme 2023. Collection method: clinical testing. Allele origin: germline.